The following is an entry in ClinVar:

NM_001144967.3(NEDD4L):c.397C>T (p.Leu133Phe)

Gene: NEDD4L (NEDD4 like E3 ubiquitin protein ligase; plus strand). Cytogenetic location: 18q21.31.
Variant type: single nucleotide variant.
Coding change: c.397C>T on transcript NM_001144967.3 (MANE Select); coding-DNA position 397, C replaced by T.
Protein change: p.Leu133Phe; replaces leucine 133 with phenylalanine.
Molecular consequence: missense variant.
Genome position (GRCh38, 1-based): chr18:58,322,473, C>T. VCF-style: chr18-58322473-C-T. GRCh37 (hg19) VCF-style: chr18-55989705-C-T.
Other names: c.34C>T, p.Leu12Phe (NM_001144964.1, NM_001144965.2, NM_001144966.3 and 2 more transcripts); c.373C>T, p.Leu125Phe (NM_001144968.2, NM_001144969.2); c.397C>T, p.Leu133Phe (NM_001243960.2, NM_015277.6); short protein forms L12F, L125F, L133F.
Identifiers: ClinVar variation 2801007 (VCV002801007.3), dbSNP rs2516010067, ClinGen allele CA402551472.
Genomic context (GRCh38, chr18:58,322,473, plus strand): 5'-TTTTCCCCACAGACAGAAGATCCAACCATGGAGCGACCCTATACATTTAAGGACTTTCTC[C>T]TCAGACCAAGAAGGTGAGGCTTGTGGGTATGGGTGGGTGGGGATGCCTGCCCTGCATGCT-3'
Protein context (NP_001138439.1, residues 123-143): ERPYTFKDFL[Leu133Phe]RPRSHKSRVK

ClinVar aggregate classification (germline): Uncertain significance (1 of 4 stars; one submission).

Submission:

Labcorp Genetics (formerly Invitae), Labcorp
Classification: Uncertain significance. Last evaluated: 2023-03-08. Review status: criteria provided, single submitter. Criteria: Invitae Variant Classification Sherloc (09022015). Collection method: clinical testing. Allele origin: germline.
Comment: In summary, the available evidence is currently insufficient to determine the role of this variant in disease. Therefore, it has been classified as a Variant of Uncertain Significance. Advanced modeling of protein sequence and biophysical properties (such as structural, functional, and spatial information, amino acid conservation, physicochemical variation, residue mobility, and thermodynamic stability) has been performed at Invitae for this missense variant, however the output from this modeling did not meet the statistical confidence thresholds required to predict the impact of this variant on NEDD4L protein function. This sequence change replaces leucine, which is neutral and non-polar, with phenylalanine, which is neutral and non-polar, at codon 133 of the NEDD4L protein (p.Leu133Phe). This variant is not present in population databases (gnomAD no frequency). This variant has not been reported in the literature in individuals affected with NEDD4L-related conditions.